The following is an entry in ClinVar:

ClinVar aggregate classification (germline): Uncertain significance. Review status: criteria provided, multiple submitters, no conflicts (2 of 4 stars). 3 submissions from 3 submitters: Uncertain significance (3). Last evaluated 2022-07-19.

Conditions:
Primary ciliary dyskinesia. Also called: Ciliary dyskinesia. Identifiers: Orphanet 244, MedGen C0008780, MONDO:0016575, HP:0012265.
Primary ciliary dyskinesia 9. Also called: CILIARY DYSKINESIA, PRIMARY, 9, WITH OR WITHOUT SITUS INVERSUS. Identifiers: Orphanet 244, MedGen C2676235, MONDO:0012906, OMIM 612444.

Allele frequency attached by ClinVar (database versions not stated): gnomAD exomes 0.00003 and 0.00006; TOPMed 0.00003; ExAC 0.00009; 1000 Genomes Project 30x 0.00016; 1000 Genomes Project 0.00020.

Submissions (3):

Labcorp Genetics (formerly Invitae), Labcorp
Classification: Uncertain significance for Primary ciliary dyskinesia. Last evaluated: 2022-07-19. Review status: criteria provided, single submitter. Criteria: Invitae Variant Classification Sherloc (09022015). Collection method: clinical testing. Allele origin: germline.
Comment: This sequence change replaces arginine, which is basic and polar, with tryptophan, which is neutral and slightly polar, at codon 518 of the DNAI2 protein (p.Arg518Trp). This variant is present in population databases (rs377582813, gnomAD 0.02%). This variant has not been reported in the literature in individuals affected with DNAI2-related conditions. ClinVar contains an entry for this variant (Variation ID: 325021). Algorithms developed to predict the effect of missense changes on protein structure and function are either unavailable or do not agree on the potential impact of this missense change (SIFT: "Deleterious"; PolyPhen-2: "Probably Damaging"; Align-GVGD: "Class C0"). In summary, the available evidence is currently insufficient to determine the role of this variant in disease. Therefore, it has been classified as a Variant of Uncertain Significance.

Ambry Genetics
Classification: Uncertain significance for Primary ciliary dyskinesia. Last evaluated: 2022-05-11. Review status: criteria provided, single submitter. Criteria: Ambry Variant Classification Scheme 2023. Collection method: clinical testing. Allele origin: germline.
Comment: The p.R518W variant (also known as c.1552C>T), located in coding exon 11 of the DNAI2 gene, results from a C to T substitution at nucleotide position 1552. The arginine at codon 518 is replaced by tryptophan, an amino acid with dissimilar properties. This amino acid position is conserved. In addition, the in silico prediction for this alteration is inconclusive. Since supporting evidence is limited at this time, the clinical significance of this alteration remains unclear.

Illumina Laboratory Services, Illumina
Classification: Uncertain significance for Primary ciliary dyskinesia 9. Last evaluated: 2018-01-13. Review status: criteria provided, single submitter. Criteria: ICSL Variant Classification Criteria 13 December 2019. Collection method: clinical testing. Allele origin: germline.

NM_023036.6(DNAI2):c.1552C>T (p.Arg518Trp)

Gene: DNAI2 (dynein axonemal intermediate chain 2; plus strand). Cytogenetic location: 17q25.1.
Variant type: single nucleotide variant.
Coding change: c.1552C>T on transcript NM_023036.6 (MANE Select); coding-DNA position 1552, C replaced by T.
Protein change: p.Arg518Trp; replaces arginine 518 with tryptophan.
Molecular consequence: missense variant. On other transcripts: non-coding transcript variant (1).
Genome position (GRCh38, 1-based): chr17:74,312,060, C>T. VCF-style: chr17-74312060-C-T. GRCh37 (hg19) VCF-style: chr17-72308199-C-T.
Other names: c.1516C>T, p.Arg506Trp (NM_001172810.3); c.1552C>T, p.Arg518Trp (NM_001353167.2); short protein forms R518W, R506W.
Identifiers: ClinVar variation 325021 (VCV000325021.9), dbSNP rs377582813, ClinGen allele CA8745830.